The following is an entry in ClinVar:

ClinVar aggregate classification (germline): Conflicting classifications of pathogenicity. Review status: criteria provided, conflicting classifications (1 of 4 stars). 3 submissions from 3 submitters: Uncertain significance (1); Likely benign (2). Last evaluated 2025-11-03.

Conditions:
Inborn genetic diseases. Identifiers: MedGen C0950123, MeSH D030342.

gnomAD v4.1: 12 of 1,600,104 alleles (0.00075%); highest among the groups gnomAD compares: Admixed American, 0.0035%; no homozygotes.

Submissions (3):

Labcorp Genetics (formerly Invitae), Labcorp
Classification: Uncertain significance. Last evaluated: 2025-11-03. Review status: criteria provided, single submitter. Criteria: Invitae Variant Classification Sherloc (09022015). Collection method: clinical testing. Allele origin: germline.
Comment: This sequence change replaces lysine, which is basic and polar, with glutamic acid, which is acidic and polar, at codon 618 of the NSD1 protein (p.Lys618Glu). This variant is present in population databases (rs762066977, gnomAD 0.006%). This variant has not been reported in the literature in individuals affected with NSD1-related conditions. ClinVar contains an entry for this variant (Variation ID: 1706246). Invitae Evidence Modeling of protein sequence and biophysical properties (such as structural, functional, and spatial information, amino acid conservation, physicochemical variation, residue mobility, and thermodynamic stability) indicates that this missense variant is expected to disrupt NSD1 protein function with a positive predictive value of 95%. In summary, the available evidence is currently insufficient to determine the role of this variant in disease. Therefore, it has been classified as a Variant of Uncertain Significance.

Ambry Genetics
Classification: Likely benign for Inborn genetic diseases. Last evaluated: 2025-06-03. Review status: criteria provided, single submitter. Criteria: Ambry Variant Classification Scheme 2023. Collection method: clinical testing. Allele origin: germline.

GeneDx
Classification: Likely benign. Last evaluated: 2022-04-04. Review status: criteria provided, single submitter. Criteria: GeneDx Variant Classification Process June 2021. Collection method: clinical testing. Allele origin: germline. Affected: yes.
Comment: In silico analysis supports that this missense variant does not alter protein structure/function; Reported previously in an individual with right food post-axial polydactyly type A; who also had other variants identified in multiple genes (Zu et al., 2021); This variant is associated with the following publications: (PMID: 34194672)

NM_022455.5(NSD1):c.1852A>G (p.Lys618Glu)

Gene: NSD1 (nuclear receptor binding SET domain protein 1; plus strand). Cytogenetic location: 5q35.3.
Variant type: single nucleotide variant.
Coding change: c.1852A>G on transcript NM_022455.5 (MANE Select); coding-DNA position 1852, A replaced by G.
Protein change: p.Lys618Glu; replaces lysine 618 with glutamic acid.
Molecular consequence: missense variant.
Genome position (GRCh38, 1-based): chr5:177,210,251, A>G. VCF-style: chr5-177210251-A-G. GRCh37 (hg19) VCF-style: chr5-176637252-A-G.
Other names: c.979A>G, p.Lys327Glu (NM_001365684.2, NM_001409306.1, NM_001409307.1 and 3 more transcripts); c.1852A>G, p.Lys618Glu (NM_001409301.1, NM_001409302.1, NM_001409303.1); c.1432A>G, p.Lys478Glu (NM_001409304.1); c.1099A>G, p.Lys367Glu (NM_001409305.1); short protein forms K327E, K349E, K367E, K478E, K618E.
Identifiers: ClinVar variation 1706246 (VCV001706246.4), dbSNP rs762066977, ClinGen allele CA3577156.